The following is an entry in ClinVar:

ClinVar aggregate classification (germline): Uncertain significance (1 of 4 stars; one submission).

Conditions:
MHC class I deficiency. Identifiers: Orphanet 34592, MedGen C6024714, MONDO:0011476.

Allele frequency attached by ClinVar (database versions not stated): gnomAD exomes below 0.00001.
gnomAD v4.1: 1 of 1,611,380 alleles (0.000062%); no homozygotes.

Submission:

Labcorp Genetics (formerly Invitae), Labcorp
Classification: Uncertain significance for MHC class I deficiency 1. Last evaluated: 2020-09-08. Review status: criteria provided, single submitter. Criteria: Invitae Variant Classification Sherloc (09022015). Collection method: clinical testing. Allele origin: germline.
Comment: This sequence change replaces glutamine with lysine at codon 743 of the TAP1 protein (p.Gln743Lys). The glutamine residue is weakly conserved and there is a small physicochemical difference between glutamine and lysine. This variant is not present in population databases (ExAC no frequency). This variant has not been reported in the literature in individuals with TAP1-related conditions. Algorithms developed to predict the effect of missense changes on protein structure and function (SIFT, PolyPhen-2, Align-GVGD) all suggest that this variant is likely to be tolerated, but these predictions have not been confirmed by published functional studies and their clinical significance is uncertain. In summary, the available evidence is currently insufficient to determine the role of this variant in disease. Therefore, it has been classified as a Variant of Uncertain Significance.

NM_000593.6(TAP1):c.2047C>A (p.Gln683Lys)

Genes: PSMB8-AS1 (PSMB8 antisense RNA 1; plus strand), TAP1 (transporter 1, ATP binding cassette subfamily B member; minus strand). Cytogenetic location: 6p21.32.
Variant type: single nucleotide variant.
Coding change: c.2047C>A on transcript NM_000593.6 (MANE Select); coding-DNA position 2047, C replaced by A.
Protein change: p.Gln683Lys; replaces glutamine 683 with lysine.
Molecular consequence: missense variant. On other transcripts: non-coding transcript variant (4).
Genome position (GRCh38, 1-based): chr6:32,845,779, G>T on the plus strand (C>A on the coding strand, the complement: TAP1 is on the minus strand). VCF-style: chr6-32845779-G-T. GRCh37 (hg19) VCF-style: chr6-32813556-G-T.
Other names: c.1444C>A, p.Gln482Lys (NM_001292022.2); short protein forms Q482K, Q683K.
Identifiers: ClinVar variation 1025702 (VCV001025702.8), dbSNP rs1770340996, ClinGen allele CA363590646.